The following is an entry in ClinVar:

NM_021954.4(GJA3):c.616T>A (p.Phe206Ile)

Gene: GJA3 (gap junction protein alpha 3; minus strand). Cytogenetic location: 13q12.11.
Variant type: single nucleotide variant.
Coding change: c.616T>A on transcript NM_021954.4 (MANE Select); coding-DNA position 616, T replaced by A.
Protein change: p.Phe206Ile; replaces phenylalanine 206 with isoleucine.
Molecular consequence: missense variant.
Genome position (GRCh38, 1-based): chr13:20,142,673, A>T on the plus strand (T>A on the coding strand, the complement: GJA3 is on the minus strand). VCF-style: chr13-20142673-A-T. GRCh37 (hg19) VCF-style: chr13-20716812-A-T.
Other names: c.616T>A (NM_021954.3); short protein forms F206I.
Identifiers: ClinVar variation 50944 (VCV000050944.3), dbSNP rs397514704, ClinGen allele CA214989.

ClinVar aggregate classification (germline): Uncertain significance. Review status: criteria provided, single submitter (1 of 4 stars). 3 submissions from 3 submitters: Uncertain significance (1). 2 of the submissions do not count toward it. Last evaluated 2023-01-21.

Conditions:
GJA3-related disorder. Also called: GJA3-related condition.
Cataract 14 multiple types. Also called: CATARACT 14, NUCLEAR PULVERULENT AND POSTERIOR POLAR; CATARACT 14, NUCLEAR CORALLIFORM; CATARACT 14, EMBRYONAL NUCLEAR; CATARACT 14, COPPOCK-LIKE; CATARACT 14, ZONULAR PULVERULENT; CATARACT 14, NUCLEAR PULVERULENT. Identifiers: Orphanet 91492, MedGen C1866078, MONDO:0011162, OMIM 601885.

Submissions (3):

Dept. Genetics and Cancer, Menzies Institute for Medical Research, University of Tasmania
Classification: Uncertain significance for Cataract 14 multiple types. Last evaluated: 2023-01-21. Review status: criteria provided, single submitter. Criteria: ACMG Guidelines, 2015. Collection method: curation. Allele origin: germline. Affected: yes.
Comment: Variant identified and curated during a GJA3 specific review of the literature in relation to pediatric or congenital cataract. ACMG-AMP criteria applied: PM2(Supporting), PP1, PP3. Original variant report: PMID:22550389. The cataract phenotype reported for this variant is: Nuclear. Gene review and curation guidelines are outlined in: DOI 10.1080/17469899.2023.2160320

PreventionGenetics, part of Exact Sciences
Classification: Likely pathogenic for GJA3-related condition. Last evaluated: 2024-06-27. Review status: no assertion criteria provided. Collection method: clinical testing. Allele origin: germline. Not counted in ClinVar's aggregate classification.
Comment: The GJA3 c.616T>A variant is predicted to result in the amino acid substitution p.Phe206Ile. This variant has been reported to segregate with disease in a three-generation kindred with congenital cataracts (Wang et al 2012. PubMed ID: 22550389). This variant has not been reported in a large population database, indicating this variant is rare. This variant is interpreted as likely pathogenic.

OMIM
Classification: Pathogenic for CATARACT 14, EMBRYONAL NUCLEAR. Last evaluated: 2012-01-01. Review status: no assertion criteria provided. Collection method: literature only. Allele origin: germline. Not counted in ClinVar's aggregate classification.

Literature cited by the submitters: PubMed 22550389 (cited by Dept. Genetics and Cancer, Menzies Institute for Medical Research, University of Tasmania and OMIM).